The following is an entry in ClinVar:

ClinVar aggregate classification (germline): Uncertain significance (1 of 4 stars; one submission).

Submission:

GeneDx
Classification: Uncertain significance. Last evaluated: 2024-09-23. Review status: criteria provided, single submitter. Criteria: GeneDx Variant Classification Process June 2021. Collection method: clinical testing. Allele origin: germline. Affected: yes.
Comment: Not observed at significant frequency in large population cohorts (gnomAD); In silico analysis indicates that this missense variant does not alter protein structure/function; Has not been previously published as pathogenic or benign to our knowledge

NM_014712.3(SETD1A):c.3836C>T (p.Ala1279Val)

Gene: SETD1A (SET domain containing 1A, histone lysine methyltransferase; plus strand). Cytogenetic location: 16p11.2.
Variant type: single nucleotide variant.
Coding change: c.3836C>T on transcript NM_014712.3 (MANE Select); coding-DNA position 3836, C replaced by T.
Protein change: p.Ala1279Val; replaces alanine 1279 with valine.
Molecular consequence: missense variant.
Genome position (GRCh38, 1-based): chr16:30,979,622, C>T. VCF-style: chr16-30979622-C-T. GRCh37 (hg19) VCF-style: chr16-30990943-C-T.
Other names: short protein forms A1279V.
Identifiers: ClinVar variation 3773911 (VCV003773911.1).